The following is an entry in ClinVar:

NM_004260.4(RECQL4):c.1423C>T (p.Gln475Ter)

Gene: RECQL4 (RecQ like helicase 4; minus strand). Cytogenetic location: 8q24.3.
Variant type: single nucleotide variant.
Coding change: c.1423C>T on transcript NM_004260.4 (MANE Select); coding-DNA position 1423, C replaced by T.
Protein change: p.Gln475Ter; replaces glutamine 475 with a stop codon.
Molecular consequence: nonsense. On other transcripts: non-coding transcript variant (3), 5 prime UTR variant (1).
Genome position (GRCh38, 1-based): chr8:144,515,210, G>A on the plus strand (C>T on the coding strand, the complement: RECQL4 is on the minus strand). VCF-style: chr8-144515210-G-A. GRCh37 (hg19) VCF-style: chr8-145740594-G-A.
Other names: c.1423C>T, p.Gln475Ter (NM_001413036.1, NM_001413039.1, NM_001413033.1 and 2 more transcripts); c.352C>T, p.Gln118Ter (NM_001413037.1, NM_001413038.1, NM_001413040.1 and 8 more transcripts); c.286C>T, p.Gln96Ter (NM_001413041.1, NM_001413027.1, NM_001413030.1 and 2 more transcripts); c.1072C>T, p.Gln358Ter (NM_001413029.1); c.-45C>T (NM_001413043.1); c.1327C>T, p.Gln443Ter (NM_001413017.1, NM_001413020.1); c.1294C>T, p.Gln432Ter (NM_001413025.1); short protein forms Q118*, Q358*, Q432*, Q443*, Q475*, Q96*.
Identifiers: ClinVar variation 3629382 (VCV003629382.2).
Genomic context (GRCh38, chr8:144,515,210, plus strand): 5'-CAGACAGGATCCGCATGACTGCACGCTCCTGCCCAGGGCGAAAGGCTTGGTGCCCCAGCT[G>A]CTCCAGGGCCTGGAACACCTCAGCCGGCGTCTCTGCAGACACAGATGTTGATCACCATGA-3'

ClinVar aggregate classification (germline): Pathogenic (1 of 4 stars; one submission).

Conditions:
Baller-Gerold syndrome (BGS). Also called: CRANIOSYNOSTOSIS WITH RADIAL DEFECTS. Identifiers: Orphanet 1225, MedGen C0265308, MONDO:0009039, OMIM 218600.

Submission:

Labcorp Genetics (formerly Invitae), Labcorp
Classification: Pathogenic for Baller-Gerold syndrome. Last evaluated: 2024-04-12. Review status: criteria provided, single submitter. Criteria: Invitae Variant Classification Sherloc (09022015). Collection method: clinical testing. Allele origin: germline.
Comment: This sequence change creates a premature translational stop signal (p.Gln475*) in the RECQL4 gene. It is expected to result in an absent or disrupted protein product. Loss-of-function variants in RECQL4 are known to be pathogenic (PMID: 12734318, 12952869). This variant is not present in population databases (gnomAD no frequency). This variant has not been reported in the literature in individuals affected with RECQL4-related conditions. Algorithms developed to predict the effect of sequence changes on RNA splicing suggest that this variant may disrupt the consensus splice site. For these reasons, this variant has been classified as Pathogenic.

Literature cited by the submitters: PubMed 12734318; PubMed 12952869.